The following is an entry in ClinVar:

ClinVar aggregate classification (germline): Uncertain significance (1 of 4 stars; one submission).

Conditions:
Cystic fibrosis (CF). Also called: MUCOVISCIDOSIS. Identifiers: Orphanet 586, MedGen C0010674, MONDO:0009061, OMIM 219700. Disease mechanism: loss of function.

Submission:

Ambry Genetics
Classification: Uncertain significance for Cystic fibrosis. Last evaluated: 2024-01-31. Review status: criteria provided, single submitter. Criteria: Ambry Variant Classification Scheme 2023. Collection method: clinical testing. Allele origin: germline.
Comment: The p.L100H variant (also known as c.299T>A), located in coding exon 4 of the CFTR gene, results from a T to A substitution at nucleotide position 299. The leucine at codon 100 is replaced by histidine, an amino acid with similar properties. This amino acid position is conserved. In addition, this alteration is predicted to be deleterious by in silico analysis. Since supporting evidence is limited at this time, the clinical significance of this alteration remains unclear.

NM_000492.4(CFTR):c.299T>A (p.Leu100His)

Gene: CFTR (CF transmembrane conductance regulator; plus strand). Cytogenetic location: 7q31.2.
Variant type: single nucleotide variant.
Coding change: c.299T>A on transcript NM_000492.4 (MANE Select); coding-DNA position 299, T replaced by A.
Protein change: p.Leu100His; replaces leucine 100 with histidine.
Molecular consequence: missense variant.
Genome position (GRCh38, 1-based): chr7:117,530,924, T>A. VCF-style: chr7-117530924-T-A. GRCh37 (hg19) VCF-style: chr7-117170978-T-A.
Other names: short protein forms L100H.
Identifiers: ClinVar variation 1798620 (VCV001798620.2), dbSNP rs1798849594, ClinGen allele CA368974274.
Genomic context (GRCh38, chr7:117,530,924, plus strand): 5'-TGAAATTTAATTTCTCTGTTTTTCCCCTTTTGTAGGAAGTCACCAAAGCAGTACAGCCTC[T>A]CTTACTGGGAAGAATCATAGCTTCCTATGACCCGGATAACAAGGAGGAACGCTCTATCGC-3'
Protein context (NP_000483.3, residues 90-110): LGEVTKAVQP[Leu100His]LLGRIIASYD